The following is an entry in ClinVar:

NM_001291303.3(FAT4):c.14167T>A (p.Leu4723Met)

Gene: FAT4 (FAT atypical cadherin 4; plus strand). Cytogenetic location: 4q28.1.
Variant type: single nucleotide variant.
Coding change: c.14167T>A on transcript NM_001291303.3 (MANE Select); coding-DNA position 14167, T replaced by A.
Protein change: p.Leu4723Met; replaces leucine 4723 with methionine.
Molecular consequence: missense variant.
Genome position (GRCh38, 1-based): chr4:125,490,983, T>A. VCF-style: chr4-125490983-T-A. GRCh37 (hg19) VCF-style: chr4-126412138-T-A.
Other names: c.14164T>A, p.Leu4722Met (NM_001291285.3); c.14161T>A, p.Leu4721Met (NM_024582.6); short protein forms L4722M, L4723M, L4721M.
Identifiers: ClinVar variation 1465282 (VCV001465282.8), dbSNP rs951647883, ClinGen allele CA104876601.

ClinVar aggregate classification (germline): Uncertain significance (1 of 4 stars; one submission).

Submission:

Labcorp Genetics (formerly Invitae), Labcorp
Classification: Uncertain significance. Last evaluated: 2022-08-23. Review status: criteria provided, single submitter. Criteria: Invitae Variant Classification Sherloc (09022015). Collection method: clinical testing. Allele origin: germline.
Comment: In summary, the available evidence is currently insufficient to determine the role of this variant in disease. Therefore, it has been classified as a Variant of Uncertain Significance. Advanced modeling of protein sequence and biophysical properties (such as structural, functional, and spatial information, amino acid conservation, physicochemical variation, residue mobility, and thermodynamic stability) performed at Invitae indicates that this missense variant is not expected to disrupt FAT4 protein function. ClinVar contains an entry for this variant (Variation ID: 1465282). This variant has not been reported in the literature in individuals affected with FAT4-related conditions. This variant is not present in population databases (gnomAD no frequency). This sequence change replaces leucine, which is neutral and non-polar, with methionine, which is neutral and non-polar, at codon 4721 of the FAT4 protein (p.Leu4721Met).